The following is an entry in ClinVar:

NM_007294.4(BRCA1):c.2404G>C (p.Val802Leu)

Gene: BRCA1 (BRCA1 DNA repair associated; minus strand). Cytogenetic location: 17q21.31.
Variant type: single nucleotide variant.
Coding change: c.2404G>C on transcript NM_007294.4 (MANE Select); coding-DNA position 2404, G replaced by C.
Protein change: p.Val802Leu; replaces valine 802 with leucine.
Molecular consequence: missense variant. On other transcripts: intron variant (137).
Genome position (GRCh38, 1-based): chr17:43,093,127, C>G on the plus strand (G>C on the coding strand, the complement: BRCA1 is on the minus strand). VCF-style: chr17-43093127-C-G. GRCh37 (hg19) VCF-style: chr17-41245144-C-G.
Other names: c.2263G>C, p.Val755Leu (NM_001407735.1, NM_001407736.1, NM_001407737.1 and 29 more transcripts); c.2260G>C, p.Val754Leu (NM_001407740.1, NM_001407741.1, NM_001407742.1 and 20 more transcripts); c.2191G>C, p.Val731Leu (NM_001407853.1, NM_001407894.1, NM_001407895.1 and 9 more transcripts); c.2404G>C, p.Val802Leu (NM_001407854.1, NM_001407858.1, NM_001407859.1 and 30 more transcripts); c.2401G>C, p.Val801Leu (NM_001407860.1, NM_001407861.1, NM_001407587.1 and 22 more transcripts); c.2203G>C, p.Val735Leu (NM_001407862.1); c.2281G>C, p.Val761Leu (NM_001407863.1, NM_001407919.1, NM_001407937.1 and 19 more transcripts); c.2200G>C, p.Val734Leu (NM_001407874.1, NM_001407875.1); and 41 more; short protein forms V802L, V755L, V675L, V714L, V735L, V760L, V734L, V761L.
Identifiers: ClinVar variation 481483 (VCV000481483.21), dbSNP rs876660885, ClinGen allele CA10597200.

ClinVar aggregate classification (germline): Conflicting classifications of pathogenicity. Review status: criteria provided, conflicting classifications (1 of 4 stars). 5 submissions from 5 submitters: Uncertain significance (4); Likely benign (1). Last evaluated 2025-12-02.

Conditions:
Hereditary cancer-predisposing syndrome. Also called: Hereditary Cancer Syndrome; Neoplastic Syndromes, Hereditary; Tumor predisposition; Hereditary neoplastic syndrome. Identifiers: Orphanet 140162, MedGen C0027672, MeSH D009386, MONDO:0015356.
Hereditary breast ovarian cancer syndrome. Also called: Hereditary breast and ovarian cancer syndrome; Hereditary breast and ovarian cancer; Hereditary breast and ovarian cancer syndrome (HBOC); Breast and ovarian cancer; Hereditary breast and/or ovarian cancer syndrome; BRCA1- and BRCA2-Associated Hereditary Breast and Ovarian Cancer. Identifiers: Orphanet 145, MedGen C0677776, MeSH D061325, MONDO:0003582. Disease mechanism: loss of function.

Allele frequency attached by ClinVar (database versions not stated): gnomAD 0.00001.
gnomAD v4.1: 1 of 1,613,472 alleles (0.000062%); no homozygotes.

Submissions (5):

Ambry Genetics
Classification: Uncertain significance for Hereditary cancer-predisposing syndrome. Last evaluated: 2025-12-02. Review status: criteria provided, single submitter. Criteria: Ambry Variant Classification Scheme 2023. Collection method: clinical testing. Allele origin: germline.
Comment: The p.V802L variant (also known as c.2404G>C), located in coding exon 9 of the BRCA1 gene, results from a G to C substitution at nucleotide position 2404. The valine at codon 802 is replaced by leucine, an amino acid with highly similar properties. This amino acid position is poorly conserved in available vertebrate species. In addition, this alteration is predicted to be tolerated by in silico analysis. Based on the available evidence, the clinical significance of this variant remains unclear.

Labcorp Genetics (formerly Invitae), Labcorp
Classification: Uncertain significance for Hereditary breast ovarian cancer syndrome. Last evaluated: 2025-11-22. Review status: criteria provided, single submitter. Criteria: Invitae Variant Classification Sherloc (09022015). Collection method: clinical testing. Allele origin: germline.
Comment: This sequence change replaces valine, which is neutral and non-polar, with leucine, which is neutral and non-polar, at codon 802 of the BRCA1 protein (p.Val802Leu). This variant is present in population databases (no rsID available, gnomAD 0.007%). This variant has not been reported in the literature in individuals affected with BRCA1-related conditions. ClinVar contains an entry for this variant (Variation ID: 481483). Invitae Evidence Modeling of protein sequence and biophysical properties (such as structural, functional, and spatial information, amino acid conservation, physicochemical variation, residue mobility, and thermodynamic stability) indicates that this missense variant is not expected to disrupt BRCA1 protein function with a negative predictive value of 80%. In summary, the available evidence is currently insufficient to determine the role of this variant in disease. Therefore, it has been classified as a Variant of Uncertain Significance.

Quest Diagnostics Nichols Institute San Juan Capistrano
Classification: Uncertain significance. Last evaluated: 2025-11-07. Review status: criteria provided, single submitter. Criteria: Quest Diagnostics criteria. Collection method: clinical testing. Allele origin: unknown.
Comment: The BRCA1 c.2404G>C (p.Val802Leu) variant has been reported in the published literature in a family affected with breast/ovarian cancer (Bahsi et. al., Turk Biyokim Derg 2020, 45(1):83). This variant has also been identified in an affected individual in a large-scale breast cancer association study and not in any of the reportedly unaffected individuals (PMID: 33471991 (2021), see also LOVD). The frequency of this variant in the general population (Genome Aggregation Database) is uninformative in the assessment of its pathogenicity. Analysis of this variant using bioinformatics tools for the prediction of the effect of amino acid changes on protein structure and function yielded predictions that this variant is benign. Based on the available information, we are unable to determine the clinical significance of this variant.

University of Washington Department of Laboratory Medicine, University of Washington
Classification: Likely benign for Hereditary cancer-predisposing syndrome. Last evaluated: 2023-03-23. Review status: criteria provided, single submitter. Criteria: Dines et al. (Genet Med. 2020). Collection method: curation. Allele origin: germline.
Comment: Missense variant in a coldspot region where missense variants are very unlikely to be pathogenic (PMID:31911673).

BRCA1 coldspot (exon 11 using historical exon numbering). Reclassification based on statistical prior probability

Women's Health and Genetics/Laboratory Corporation of America, LabCorp
Classification: Uncertain significance. Last evaluated: 2019-01-09. Review status: criteria provided, single submitter. Criteria: LabCorp Variant Classification Summary - May 2015. Collection method: clinical testing. Allele origin: germline.
Comment: Variant summary: BRCA1 c.2404G>C (p.Val802Leu) results in a conservative amino acid change in the encoded protein sequence. Five of five in-silico tools predict a benign effect of the variant on protein function. The variant allele was found at a frequency of 3.2e-05 in 30968 control chromosomes (gnomAD). The available data on variant occurrences in the general population are insufficient to allow any conclusion about variant significance. To our knowledge, no occurrence of c.2404G>C in individuals affected with Hereditary Breast and Ovarian Cancer and no experimental evidence demonstrating its impact on protein function have been reported. A ClinVar submission from a clinical diagnostic laboratory (evaluation after 2014) cites the variant as uncertain significance. Based on the evidence outlined above, the variant was classified as uncertain significance.

Literature cited by the submitters: PubMed 35729312 (cited by Quest Diagnostics Nichols Institute San Juan Capistrano); PubMed 32377563 (cited by Quest Diagnostics Nichols Institute San Juan Capistrano); PubMed 29884841 (cited by Quest Diagnostics Nichols Institute San Juan Capistrano).